The following is an entry in ClinVar:

NM_004415.4(DSP):c.2229G>T (p.Gln743His)

Gene: DSP (desmoplakin; plus strand). Cytogenetic location: 6p24.3.
Variant type: single nucleotide variant.
Coding change: c.2229G>T on transcript NM_004415.4 (MANE Select); coding-DNA position 2229, G replaced by T.
Protein change: p.Gln743His; replaces glutamine 743 with histidine.
Molecular consequence: missense variant.
Genome position (GRCh38, 1-based): chr6:7,574,184, G>T. VCF-style: chr6-7574184-G-T. GRCh37 (hg19) VCF-style: chr6-7574417-G-T.
Other names: c.2229G>T, p.Gln743His (NM_001008844.3, NM_001319034.2); short protein forms Q743H.
Identifiers: ClinVar variation 3386642 (VCV003386642.1).
Genomic context (GRCh38, chr6:7,574,184, plus strand): 5'-CAACCAGCTTAAAGATATGCTTGCCAACTTCAGAGGTTCTGAAAAGTACTGCTATTTACA[G>T]AATGAAGTATTTGGACTATTTCAGAAACTGGAAAATATCAATGGTGTTACAGATGGCTAC-3'
Protein context (NP_004406.2, residues 733-753): FRGSEKYCYL[Gln743His]NEVFGLFQKL

ClinVar aggregate classification (germline): Uncertain significance (1 of 4 stars; one submission).

Conditions:
Arrhythmogenic cardiomyopathy with wooly hair and keratoderma. Also called: Carvajal syndrome; PALMOPLANTAR KERATODERMA WITH LEFT VENTRICULAR CARDIOMYOPATHY AND WOOLLY HAIR; Dilated cardiomyopathy with woolly hair and keratoderma; Arrhythmogenic cardiomyopathy with woolly hair and keratoderma. Identifiers: Orphanet 65282, MedGen C1854063, MONDO:0011581, OMIM 605676.

Submission:

All of Us Research Program, National Institutes of Health
Classification: Uncertain significance for Arrhythmogenic cardiomyopathy with wooly hair and keratoderma. Last evaluated: 2024-04-25. Review status: criteria provided, single submitter. Criteria: ACMG Guidelines, 2015. Collection method: clinical testing. Allele origin: germline. Inheritance: Autosomal dominant inheritance. Observed: 1 variant allele, 1 heterozygote.
Comment: This missense variant replaces glutamine with histidine at codon 743 of the DSP protein. Computational prediction suggests that this variant may not impact protein structure and function (internally defined REVEL score threshold <= 0.5, PMID: 27666373). To our knowledge, functional studies have not been reported for this variant. This variant has not been reported in individuals affected with DSP-related disorders in the literature. This variant has not been identified in the general population by the Genome Aggregation Database (gnomAD). The available evidence is insufficient to determine the role of this variant in disease conclusively. Therefore, this variant is classified as a Variant of Uncertain Significance.

This study involves interpretation of variants in research participants for the purpose of population health screening. Participant phenotype was not available at the time of variant classification. Additional details can be found in publication PMID: 35346344, PMCID: PMC8962531